The following is an entry in ClinVar:

NM_000245.4(MET):c.3455C>T (p.Ser1152Phe)

Gene: MET (MET proto-oncogene, receptor tyrosine kinase; plus strand). Cytogenetic location: 7q31.2.
Variant type: single nucleotide variant.
Coding change: c.3455C>T on transcript NM_000245.4 (MANE Select); coding-DNA position 3455, C replaced by T.
Protein change: p.Ser1152Phe; replaces serine 1152 with phenylalanine.
Molecular consequence: missense variant.
Genome position (GRCh38, 1-based): chr7:116,778,890, C>T. VCF-style: chr7-116778890-C-T. GRCh37 (hg19) VCF-style: chr7-116418944-C-T.
Other names: c.3509C>T, p.Ser1170Phe (NM_001127500.3); c.2165C>T, p.Ser722Phe (NM_001324402.2); short protein forms S1152F, S1170F, S722F.
Identifiers: ClinVar variation 3294385 (VCV003294385.1).

ClinVar aggregate classification (germline): Uncertain significance (1 of 4 stars; one submission).

Conditions:
Hereditary cancer-predisposing syndrome. Also called: Tumor predisposition; Hereditary Cancer Syndrome; Hereditary neoplastic syndrome; Neoplastic Syndromes, Hereditary. Identifiers: Orphanet 140162, MedGen C0027672, MeSH D009386, MONDO:0015356.

Submission:

Ambry Genetics
Classification: Uncertain significance for Hereditary cancer-predisposing syndrome. Last evaluated: 2024-06-16. Review status: criteria provided, single submitter. Criteria: Ambry Variant Classification Scheme 2023. Collection method: clinical testing. Allele origin: germline.
Comment: The p.S1170F variant (also known as c.3509C>T), located in coding exon 16 of the MET gene, results from a C to T substitution at nucleotide position 3509. The serine at codon 1170 is replaced by phenylalanine, an amino acid with highly dissimilar properties. This amino acid position is conserved. In addition, the in silico prediction for this alteration is inconclusive. Based on the available evidence, the clinical significance of this variant remains unclear.